The following is an entry in ClinVar:

ClinVar aggregate classification (germline): Uncertain significance. Review status: criteria provided, multiple submitters, no conflicts (2 of 4 stars). 2 submissions from 2 submitters: Uncertain significance (2). Last evaluated 2023-07-06.

Conditions:
Fabry disease. Also called: Fabry's disease; ALPHA-GALACTOSIDASE A DEFICIENCY; ANDERSON-FABRY DISEASE; CERAMIDE TRIHEXOSIDASE DEFICIENCY; GLA DEFICIENCY; Ceramide trihexosidosis. Identifiers: Orphanet 324, MedGen C0002986, MONDO:0010526, OMIM 301500, HP:0001071. Disease mechanism: Fabry disease is due to inactivating mutations in the X-linked GLA gene resulting in deficiency of the enzyme Alpha Galactosidase-A., loss of function.

Submissions (2):

Color Diagnostics, LLC DBA Color Health
Classification: Uncertain significance for Fabry disease. Last evaluated: 2023-07-06. Review status: criteria provided, single submitter. Criteria: ACMG Guidelines, 2015. Collection method: clinical testing. Allele origin: germline.
Comment: This missense variant replaces glutamine with arginine at codon 2 of the GLA protein. Computational prediction suggests that this variant may not impact protein structure and function (internally defined REVEL score threshold <= 0.5, PMID: 27666373). To our knowledge, functional studies have not been reported for this variant. This variant has not been reported in individuals affected with GLA-related disorders in the literature. This variant has not been identified in the general population by the Genome Aggregation Database (gnomAD). The available evidence is insufficient to determine the role of this variant in disease conclusively. Therefore, this variant is classified as a Variant of Uncertain Significance.

Labcorp Genetics (formerly Invitae), Labcorp
Classification: Uncertain significance for Fabry disease. Last evaluated: 2022-09-23. Review status: criteria provided, single submitter. Criteria: Invitae Variant Classification Sherloc (09022015). Collection method: clinical testing. Allele origin: germline.
Comment: This variant has not been reported in the literature in individuals affected with GLA-related conditions. This variant is not present in population databases (gnomAD no frequency). This sequence change replaces glutamine, which is neutral and polar, with arginine, which is basic and polar, at codon 2 of the GLA protein (p.Gln2Arg). Algorithms developed to predict the effect of missense changes on protein structure and function output the following: SIFT: "Tolerated"; PolyPhen-2: "Benign"; Align-GVGD: "Class C0". The arginine amino acid residue is found in multiple mammalian species, which suggests that this missense change does not adversely affect protein function. In summary, the available evidence is currently insufficient to determine the role of this variant in disease. Therefore, it has been classified as a Variant of Uncertain Significance.

NM_000169.3(GLA):c.5A>G (p.Gln2Arg)

Genes: GLA (galactosidase alpha; minus strand), RPL36A-HNRNPH2 (RPL36A-HNRNPH2 readthrough; plus strand). Cytogenetic location: Xq22.1.
Variant type: single nucleotide variant.
Coding change: c.5A>G on transcript NM_000169.3 (MANE Select); coding-DNA position 5, A replaced by G.
Protein change: p.Gln2Arg; replaces glutamine 2 with arginine.
Molecular consequence: missense variant. On other transcripts: non-coding transcript variant (3), intron variant (2).
Genome position (GRCh38, 1-based): chrX:101,407,899, T>C on the plus strand (A>G on the coding strand, the complement: GLA is on the minus strand). VCF-style: chrX-101407899-T-C. GRCh37 (hg19) VCF-style: chrX-100662887-T-C.
Other names: c.5A>G, p.Gln2Arg (NM_001406747.1, NM_001406748.1, NM_001406749.1); c.301-4037T>C (NM_001199973.2); c.178-4037T>C (NM_001199974.2); short protein forms Q2R.
Identifiers: ClinVar variation 2159697 (VCV002159697.6), dbSNP rs782386191, ClinGen allele CA413937928.
Genomic context (GRCh38, chrX:101,407,899, plus strand): 5'-ACGAGGGCCAGGAAGCGAAGCGCAAGCGCGCAGCCCAGATGTAGTTCTGGGTTCCTCAGC[T>C]GCATTGTCACGGTGACCGGACAGCATAAATTTCCGCGGGTAACCTGGGCTTTTAAGATTA-3'
Protein context (NP_000160.1, residues 1-12): M[Gln2Arg]LRNPELHLGC